The following is an entry in ClinVar:

NM_007194.4(CHEK2):c.1399T>G (p.Leu467Val)

Gene: CHEK2 (checkpoint kinase 2; minus strand). Cytogenetic location: 22q12.1.
Variant type: single nucleotide variant.
Coding change: c.1399T>G on transcript NM_007194.4 (MANE Select); coding-DNA position 1399, T replaced by G.
Protein change: p.Leu467Val; replaces leucine 467 with valine.
Molecular consequence: missense variant.
Genome position (GRCh38, 1-based): chr22:28,694,094, A>C on the plus strand (T>G on the coding strand, the complement: CHEK2 is on the minus strand). VCF-style: chr22-28694094-A-C. GRCh37 (hg19) VCF-style: chr22-29090082-A-C.
Other names: c.1528T>G, p.Leu510Val (NM_001005735.3); c.736T>G, p.Leu246Val (NM_001257387.3); c.1198T>G, p.Leu400Val (NM_001349956.3); c.1312T>G, p.Leu438Val (NM_145862.3); short protein forms L467V, L246V, L438V, L400V, L510V.
Identifiers: ClinVar variation 229948 (VCV000229948.5), dbSNP rs876658293, ClinGen allele CA10581030.

ClinVar aggregate classification (germline): Uncertain significance (1 of 4 stars; one submission).

Conditions:
Hereditary cancer-predisposing syndrome. Also called: Hereditary neoplastic syndrome; Hereditary Cancer Syndrome; Neoplastic Syndromes, Hereditary; Tumor predisposition. Identifiers: Orphanet 140162, MedGen C0027672, MeSH D009386, MONDO:0015356.

Submission:

Ambry Genetics
Classification: Uncertain significance for Hereditary cancer-predisposing syndrome. Last evaluated: 2015-01-08. Review status: criteria provided, single submitter. Criteria: Ambry Variant Classification Scheme 2023. Collection method: clinical testing. Allele origin: germline.
Comment: The p.L467V variant (also known as c.1399T>G), located in coding exon 12 of the CHEK2 gene, results from a T to G substitution at nucleotide position 1399. The leucine at codon 467 is replaced by valine, an amino acid with highly similar properties. This variant was not reported in population based cohorts in the following databases: Database of Single Nucleotide Polymorphisms (dbSNP), NHLBI Exome Sequencing Project (ESP), and 1000 Genomes Project. In the ESP, this variant was not observed in 3739 samples (7478 alleles) with coverage at this position. To date, this alteration has been detected with an allele frequency of approximately 0.002% (greater than 46,000 alleles tested) in our clinical cohort. This amino acid position is highly conserved in available vertebrate species. In addition, this alteration is predicted to be probably damaging and deleterious by PolyPhen and SIFT in silico analyses, respectively. Since supporting evidence is limited at this time, the clinical significance of p.L467V remains unclear.